The following is an entry in ClinVar:

NM_194318.4(B3GLCT):c.1405G>C (p.Asp469His)

Gene: B3GLCT (beta 3-glucosyltransferase; plus strand). Cytogenetic location: 13q12.3.
Variant type: single nucleotide variant.
Coding change: c.1405G>C on transcript NM_194318.4 (MANE Select); coding-DNA position 1405, G replaced by C.
Protein change: p.Asp469His; replaces aspartic acid 469 with histidine.
Molecular consequence: missense variant.
Genome position (GRCh38, 1-based): chr13:31,329,576, G>C. VCF-style: chr13-31329576-G-C. GRCh37 (hg19) VCF-style: chr13-31903713-G-C.
Other names: short protein forms D469H.
Identifiers: ClinVar variation 4763228 (VCV004763228.1).

ClinVar aggregate classification (germline): Uncertain significance (1 of 4 stars; one submission).

Conditions:
Peters plus syndrome. Also called: KRAUSE-KIVLIN SYNDROME. Identifiers: Orphanet 709, MedGen C0796012, MONDO:0009856, OMIM 261540.

Submission:

Labcorp Genetics (formerly Invitae), Labcorp
Classification: Uncertain significance for Peters plus syndrome. Last evaluated: 2025-12-15. Review status: criteria provided, single submitter. Criteria: Invitae Variant Classification Sherloc (09022015). Collection method: clinical testing. Allele origin: germline.
Comment: This sequence change replaces aspartic acid, which is acidic and polar, with histidine, which is basic and polar, at codon 469 of the B3GLCT protein (p.Asp469His). This variant is not present in population databases (gnomAD no frequency). This variant has not been reported in the literature in individuals affected with B3GLCT-related conditions. Invitae Evidence Modeling of protein sequence and biophysical properties (such as structural, functional, and spatial information, amino acid conservation, physicochemical variation, residue mobility, and thermodynamic stability) indicates that this missense variant is expected to disrupt B3GLCT protein function with a positive predictive value of 80%. In summary, the available evidence is currently insufficient to determine the role of this variant in disease. Therefore, it has been classified as a Variant of Uncertain Significance.